The following is an entry in ClinVar:

ClinVar aggregate classification (germline): Benign/Likely benign. Review status: criteria provided, multiple submitters, no conflicts (2 of 4 stars). 13 submissions from 12 submitters: Benign (3); Likely benign (7). 3 of the submissions do not count toward it. Last evaluated 2026-08-01.

Conditions:
MYH9-related disorder. Identifiers: MedGen C1854520.
Autosomal dominant nonsyndromic hearing loss 17. Also called: Autosomal dominant nonsyndromic deafness 17; Deafness, autosomal dominant 17. Identifiers: Orphanet 90635, MedGen C1863659, MONDO:0011350, OMIM 603622.
Focal segmental glomerulosclerosis (FSGS). Also called: Glomerulosclerosis, focal; Focal sclerosis with hyalinosis. Identifiers: MedGen C0017668, MONDO:0100313, HP:0000097. Disease mechanism: loss of function.

Allele frequency attached by ClinVar (database versions not stated): 1000 Genomes Project 30x 0.00062; TOPMed 0.00099; ExAC 0.00129; 1000 Genomes Project 0.00060; ESP Exome Variant Server 0.00115; gnomAD 0.00157 and 0.00165; gnomAD exomes 0.00169 and 0.00128.

Submissions (13):

CeGaT Center for Human Genetics Tuebingen
Classification: Benign. Last evaluated: 2026-08-01. Review status: criteria provided, single submitter. Criteria: CeGaT Center For Human Genetics Tuebingen Variant Classification Criteria Version 2. Collection method: clinical testing. Allele origin: germline. Affected: yes. Observed: 11 variant alleles.
Comment: MYH9: BP4, BS1, BS2

Labcorp Genetics (formerly Invitae), Labcorp
Classification: Likely benign. Last evaluated: 2026-01-20. Review status: criteria provided, single submitter. Criteria: Invitae Variant Classification Sherloc (09022015). Collection method: clinical testing. Allele origin: germline.

Mayo Clinic Laboratories, Mayo Clinic
Classification: Benign. Last evaluated: 2025-10-27. Review status: criteria provided, single submitter. Criteria: ACMG Guidelines, 2015. Collection method: clinical testing. Allele origin: germline. Observed: 3 variant alleles.
Comment: BS1, BS2, PP2

Blueprint Genetics
Classification: Likely benign. Last evaluated: 2024-11-26. Review status: criteria provided, single submitter. Criteria: ACMG Guidelines, 2015. Collection method: clinical testing. Allele origin: germline.

ARUP Laboratories, Molecular Genetics and Genomics, ARUP Laboratories
Classification: Likely benign. Last evaluated: 2023-11-29. Review status: criteria provided, single submitter. Criteria: ARUP Molecular Germline Variant Investigation Process 2024. Collection method: clinical testing. Allele origin: germline.

GeneDx
Classification: Likely benign. Last evaluated: 2021-03-09. Review status: criteria provided, single submitter. Criteria: GeneDx Variant Classification Process June 2021. Collection method: clinical testing. Allele origin: germline. Affected: yes.
Comment: This variant is associated with the following publications: (PMID: 23144074, 19557653, 26346198, 30245029, 26969326, 27068579)

Genome Diagnostics Laboratory, The Hospital for Sick Children
Classification: Likely benign for Focal segmental glomerulosclerosis. Last evaluated: 2019-12-01. Review status: criteria provided, single submitter. Criteria: ACMG Guidelines, 2015. Collection method: clinical testing. Allele origin: germline.

Laboratory for Molecular Medicine, Mass General Brigham Personalized Medicine
Classification: Benign. Last evaluated: 2019-02-13. Review status: criteria provided, single submitter. Criteria: LMM Criteria. Collection method: clinical testing. Allele origin: germline. Observed: 6 variant alleles.
Comment: The p.Met1651Thr variant in MYH9 is classified as benign because although it has been previously reported in several individuals with hearing loss (Provaznikova 2009, Strasser 2012, Sommen 2016, Sloan-Heggen 2016, LMM data), it has also been identified in 0.288% (371/128738) of Eurpean chromosomes by gnomAD. ACMG/AMP criteria applied: BA1, BP4, BS2_Supporting.

Illumina Laboratory Services, Illumina
Classification: Likely benign for MYH9-related disorder. Last evaluated: 2017-04-27. Review status: criteria provided, single submitter. Criteria: ICSL Variant Classification Criteria 13 December 2019. Collection method: clinical testing. Allele origin: germline.
Comment: This variant was observed as part of a predisposition screen in an ostensibly healthy population. A literature search was performed for the gene, cDNA change, and amino acid change (where applicable). Publications were found based on this search. The evidence from the literature, in combination with allele frequency data from public databases where available, was sufficient to determine this variant is unlikely to cause disease. Therefore, this variant is classified as likely benign.

Illumina Laboratory Services, Illumina
Classification: Likely benign for Autosomal dominant nonsyndromic hearing loss 17. Last evaluated: 2017-04-27. Review status: criteria provided, single submitter. Criteria: ICSL Variant Classification Criteria 13 December 2019. Collection method: clinical testing. Allele origin: germline.
Comment: the same text as in the submission from Illumina Laboratory Services, Illumina above.

PreventionGenetics, part of Exact Sciences
Classification: Likely benign for MYH9-related condition. Last evaluated: 2022-12-19. Review status: no assertion criteria provided. Collection method: clinical testing. Allele origin: germline. Not counted in ClinVar's aggregate classification.
Comment: This variant is classified as likely benign based on ACMG/AMP sequence variant interpretation guidelines (Richards et al. 2015 PMID: 25741868, with internal and published modifications).

Clinical Genetics DNA and cytogenetics Diagnostics Lab, Erasmus MC, Erasmus Medical Center
Classification: Likely benign. Review status: no assertion criteria provided. Collection method: clinical testing. Allele origin: germline. Affected: yes. Study: VKGL Data-share Consensus. Not counted in ClinVar's aggregate classification.

Joint Genome Diagnostic Labs from Nijmegen and Maastricht, Radboudumc and MUMC+
Classification: Likely benign. Review status: no assertion criteria provided. Collection method: clinical testing. Allele origin: germline. Affected: yes. Study: VKGL Data-share Consensus. Not counted in ClinVar's aggregate classification.

Literature cited by the submitters: PubMed 19557653 (cited by Laboratory for Molecular Medicine, Mass General Brigham Personalized Medicine and Illumina Laboratory Services, Illumina); PubMed 23144074 (cited by Laboratory for Molecular Medicine, Mass General Brigham Personalized Medicine and Illumina Laboratory Services, Illumina); PubMed 26346198 (cited by Laboratory for Molecular Medicine, Mass General Brigham Personalized Medicine); PubMed 26969326 (cited by Laboratory for Molecular Medicine, Mass General Brigham Personalized Medicine); PubMed 27068579 (cited by Laboratory for Molecular Medicine, Mass General Brigham Personalized Medicine).

NM_002473.6(MYH9):c.4952T>C (p.Met1651Thr)

Gene: MYH9 (myosin heavy chain 9; minus strand). Cytogenetic location: 22q12.3.
Variant type: single nucleotide variant.
Coding change: c.4952T>C on transcript NM_002473.6 (MANE Select); coding-DNA position 4952, T replaced by C.
Protein change: p.Met1651Thr; replaces methionine 1651 with threonine.
Molecular consequence: missense variant.
Genome position (GRCh38, 1-based): chr22:36,286,827, A>G on the plus strand (T>C on the coding strand, the complement: MYH9 is on the minus strand). VCF-style: chr22-36286827-A-G. GRCh37 (hg19) VCF-style: chr22-36682873-A-G.
Other names: short protein forms M1651T.
Identifiers: ClinVar variation 44567 (VCV000044567.71), dbSNP rs142094977, ClinGen allele CA134552.
Genomic context (GRCh38, chr22:36,286,827, plus strand): 5'-TTCTCTTTGGCCTGGGCCAGGATCTCCTCACGAGAGGCGCGGGTGTCATCCAGCTCGCGC[A>G]TGCAGTCCTTCATCTGGGCCTGGGGTGGGGACAGAGGCTTGGCACCCCACCCAGCTCCTT-3'
Protein context (NP_002464.1, residues 1641-1661): RKLQAQMKDC[Met1651Thr]RELDDTRASR